The following is an entry in ClinVar:

NM_002834.5(PTPN11):c.1057A>C (p.Ile353Leu)

Gene: PTPN11 (protein tyrosine phosphatase non-receptor type 11; plus strand). Cytogenetic location: 12q24.13.
Variant type: single nucleotide variant.
Coding change: c.1057A>C on transcript NM_002834.5 (MANE Select); coding-DNA position 1057, A replaced by C.
Protein change: p.Ile353Leu; replaces isoleucine 353 with leucine.
Molecular consequence: missense variant.
Genome position (GRCh38, 1-based): chr12:112,477,980, A>C. VCF-style: chr12-112477980-A-C. GRCh37 (hg19) VCF-style: chr12-112915784-A-C.
Other names: c.1057A>C, p.Ile353Leu (NM_001330437.2, NM_080601.3); c.1054A>C, p.Ile352Leu (NM_001374625.1); short protein forms I353L, I352L.
Identifiers: ClinVar variation 574008 (VCV000574008.9), dbSNP rs752392909, ClinGen allele CA6798704.
Genomic context (GRCh38, chr12:112,477,980, plus strand): 5'-TGCCTGCAAAACACGGTGAATGACTTTTGGCGGATGGTGTTCCAAGAAAACTCCCGAGTG[A>C]TTGTCATGACAACGAAAGAAGTGGAGAGAGGAAAGGTAAATCACAGAAACTTCTTTTCTG-3'
Protein context (NP_002825.3, residues 343-363): RMVFQENSRV[Ile353Leu]VMTTKEVERG

ClinVar aggregate classification (germline): Uncertain significance. Review status: criteria provided, multiple submitters, no conflicts (2 of 4 stars). 2 submissions from 2 submitters: Uncertain significance (2). Last evaluated 2025-11-02.

Conditions:
Cardiovascular phenotype. Identifiers: MedGen CN230736.
RASopathy. Also called: Noonan spectrum disorder; rasopathies. Identifiers: Orphanet 536391, MedGen C5555857, MONDO:0021060.

Allele frequency attached by ClinVar (database versions not stated): gnomAD exomes below 0.00001; TOPMed below 0.00001; ExAC 0.00001.
gnomAD v4.1: 2 of 1,614,156 alleles (0.00012%); highest among the groups gnomAD compares: Non-Finnish European, 0.000085%; no homozygotes.

Submissions (2):

Ambry Genetics
Classification: Uncertain significance for Cardiovascular phenotype. Last evaluated: 2025-11-02. Review status: criteria provided, single submitter. Criteria: Ambry Variant Classification Scheme 2023. Collection method: clinical testing. Allele origin: germline.
Comment: The p.I353L variant (also known as c.1057A>C), located in coding exon 9 of the PTPN11 gene, results from an A to C substitution at nucleotide position 1057. The isoleucine at codon 353 is replaced by leucine, an amino acid with highly similar properties. This amino acid position is conserved. In addition, this alteration is predicted to be deleterious by in silico analysis. Based on the available evidence, the clinical significance of this variant remains unclear.

Labcorp Genetics (formerly Invitae), Labcorp
Classification: Uncertain significance for RASopathy. Last evaluated: 2025-06-18. Review status: criteria provided, single submitter. Criteria: Invitae Variant Classification Sherloc (09022015). Collection method: clinical testing. Allele origin: germline.
Comment: This sequence change replaces isoleucine, which is neutral and non-polar, with leucine, which is neutral and non-polar, at codon 353 of the PTPN11 protein (p.Ile353Leu). This variant is present in population databases (rs752392909, gnomAD 0.01%). This variant has not been reported in the literature in individuals affected with PTPN11-related conditions. ClinVar contains an entry for this variant (Variation ID: 574008). Invitae Evidence Modeling of protein sequence and biophysical properties (such as structural, functional, and spatial information, amino acid conservation, physicochemical variation, residue mobility, and thermodynamic stability) has been performed for this missense variant. However, the output from this modeling did not meet the statistical confidence thresholds required to predict the impact of this variant on PTPN11 protein function. In summary, the available evidence is currently insufficient to determine the role of this variant in disease. Therefore, it has been classified as a Variant of Uncertain Significance.